The following is an entry in ClinVar:

NM_033380.3(COL4A5):c.2042G>T (p.Gly681Val)

Gene: COL4A5 (collagen type IV alpha 5 chain; plus strand). Cytogenetic location: Xq22.3.
Variant type: single nucleotide variant.
Coding change: c.2042G>T on transcript NM_033380.3 (MANE Select); coding-DNA position 2042, G replaced by T.
Protein change: p.Gly681Val; replaces glycine 681 with valine.
Molecular consequence: missense variant.
Genome position (GRCh38, 1-based): chrX:108,601,885, G>T. VCF-style: chrX-108601885-G-T. GRCh37 (hg19) VCF-style: chrX-107845115-G-T.
Other names: c.2042G>T, p.Gly681Val (NM_000495.5); short protein forms G681V.
Identifiers: ClinVar variation 3729049 (VCV003729049.2).

ClinVar aggregate classification (germline): Likely pathogenic (1 of 4 stars; one submission).

Submission:

Labcorp Genetics (formerly Invitae), Labcorp
Classification: Likely pathogenic. Last evaluated: 2025-01-15. Review status: criteria provided, single submitter. Criteria: Invitae Variant Classification Sherloc (09022015). Collection method: clinical testing. Allele origin: germline.
Comment: This sequence change replaces glycine, which is neutral and non-polar, with valine, which is neutral and non-polar, at codon 681 of the COL4A5 protein (p.Gly681Val). This variant is not present in population databases (gnomAD no frequency). This missense change has been observed in individual(s) with clinical features of Alport syndrome (internal data). Experimental studies and prediction algorithms are not available or were not evaluated, and the functional significance of this variant is currently unknown. This variant disrupts the triple helix domain of COL4A5. Glycine residues within the Gly-Xaa-Yaa repeats of the triple helix domain are required for the structure and stability of fibrillar collagens (PMID: 7695699, 8218237, 19344236). In COL4A5, missense variants at these glycine residues are significantly enriched in individuals with disease (PMID: 23720012, 27627812) compared to the general population (ExAC). This variant disrupts the p.Gly681 amino acid residue in COL4A5. Other variant(s) that disrupt this residue have been observed in individuals with COL4A5-related conditions (PMID: 8940267, 33040356), which suggests that this may be a clinically significant amino acid residue. In summary, the currently available evidence indicates that the variant is pathogenic, but additional data are needed to prove that conclusively. Therefore, this variant has been classified as Likely Pathogenic.

Literature cited by the submitters: PubMed 7695699; PubMed 8218237; PubMed 19344236; PubMed 23720012; PubMed 27627812; PubMed 8940267; PubMed 33040356.